The following is an entry in ClinVar:

NM_052905.4(FMNL2):c.1673_1674insACC (p.Pro573_Leu574insPro)

Gene: FMNL2 (formin like 2; plus strand). Cytogenetic location: 2q23.3.
Variant type: Insertion.
Coding change: c.1673_1674insACC on transcript NM_052905.4 (MANE Select); coding-DNA positions 1673 to 1674, ACC inserted.
Protein change: p.Pro573_Leu574insPro.
Genome position: GRCh38 VCF-style: chr2-152619552-G-GCCA. GRCh37 (hg19) VCF-style: chr2-153476066-G-GCCA.
Identifiers: ClinVar variation 3060523 (VCV003060523.2), dbSNP rs5835439, ClinGen allele CA1913831.

ClinVar aggregate classification (germline): Benign (0 of 4 stars; one submission).

Conditions:
FMNL2-related disorder. Also called: FMNL2-related condition.

Submission:

PreventionGenetics, part of Exact Sciences
Classification: Benign for FMNL2-related condition. Last evaluated: 2023-04-26. Review status: no assertion criteria provided. Collection method: clinical testing. Allele origin: germline.
Comment: This variant is classified as benign based on ACMG/AMP sequence variant interpretation guidelines (Richards et al. 2015 PMID: 25741868, with internal and published modifications).